The following is an entry in ClinVar:

ClinVar aggregate classification (germline): Uncertain significance. Review status: criteria provided, multiple submitters, no conflicts (2 of 4 stars). 2 submissions from 2 submitters: Uncertain significance (2). Last evaluated 2026-04-15.

Conditions:
Inborn genetic diseases. Identifiers: MedGen C0950123, MeSH D030342.
PLEC-related disorder. Also called: PLEC-related condition; PLEC-related disorders.

gnomAD v4.1: 7 of 1,593,652 alleles (0.00044%); highest among the groups gnomAD compares: Admixed American, 0.0034%; no homozygotes.

Submissions (2):

PreventionGenetics, part of Exact Sciences
Classification: Uncertain significance for PLEC-related condition. Last evaluated: 2026-04-15. Review status: criteria provided, single submitter. Criteria: ACMG Guidelines, 2015. Collection method: clinical testing. Allele origin: germline.
Comment: The PLEC c.9538C>T variant is predicted to result in the amino acid substitution p.Pro3180Ser. To our knowledge, this variant has not been reported in the literature. This variant is reported in 0.00086% of alleles in individuals of European (Non-Finnish) descent in gnomAD. At this time, the clinical significance of this variant is uncertain due to the absence of conclusive functional and genetic evidence.

Ambry Genetics
Classification: Uncertain significance for Inborn genetic diseases. Last evaluated: 2025-07-14. Review status: criteria provided, single submitter. Criteria: Ambry Variant Classification Scheme 2023. Collection method: clinical testing. Allele origin: germline.

NM_201384.3(PLEC):c.9457C>T (p.Pro3153Ser)

Gene: PLEC (plectin; minus strand). Cytogenetic location: 8q24.3.
Variant type: single nucleotide variant.
Coding change: c.9457C>T on transcript NM_201384.3 (MANE Select); coding-DNA position 9457, C replaced by T.
Protein change: p.Pro3153Ser; replaces proline 3153 with serine.
Molecular consequence: missense variant.
Genome position (GRCh38, 1-based): chr8:143,920,364, G>A on the plus strand (C>T on the coding strand, the complement: PLEC is on the minus strand). VCF-style: chr8-143920364-G-A. GRCh37 (hg19) VCF-style: chr8-144994532-G-A.
Other names: c.9538C>T (NM_000445.4); c.9361C>T, p.Pro3121Ser (NM_201381.3); c.9457C>T, p.Pro3153Ser (NM_201382.4); c.9469C>T, p.Pro3157Ser (NM_201383.3); c.9538C>T, p.Pro3180Ser (NM_000445.5); c.6157C>T, p.Pro2053Ser (NM_001410941.1); c.9415C>T, p.Pro3139Ser (NM_201378.4); c.9391C>T, p.Pro3131Ser (NM_201379.3); and 1 more; short protein forms P3121S, P3131S, P3139S, P3180S, P2053S, P3290S, P3153S, P3157S.
Identifiers: ClinVar variation 4138970 (VCV004138970.2).
Genomic context (GRCh38, chr8:143,920,364, plus strand): 5'-CCGACAGGGCCCTGCTGGTCTCCTCATCCAGGCAGCCTCGGGCGCAGGCGACATCCAGGG[G>A]CACGCGGTGGCTCTTGCTGGGGTCCACGATGCCGCCCGTGGACAGCTGGGCGTCCAACAG-3'
Protein context (NP_958786.1, residues 3143-3163): IVDPSKSHRV[Pro3153Ser]LDVACARGCL